The following is an entry in ClinVar:

NM_194248.3(OTOF):c.2316-4C>A

Gene: OTOF (otoferlin; minus strand). Cytogenetic location: 2p23.3.
Variant type: single nucleotide variant.
Coding change: c.2316-4C>A on transcript NM_194248.3 (MANE Select); 4 bases into the intron before coding-DNA position 2316, C replaced by A.
Molecular consequence: intron variant.
Genome position (GRCh38, 1-based): chr2:26,477,510, G>T on the plus strand (C>A on the coding strand, the complement: OTOF is on the minus strand). VCF-style: chr2-26477510-G-T. GRCh37 (hg19) VCF-style: chr2-26700378-G-T.
Other names: c.2316-4C>A (NM_001287489.2); c.75-4C>A (NM_194323.3, NM_004802.4); c.246-4C>A (NM_194322.3).
Identifiers: ClinVar variation 164865 (VCV000164865.7), dbSNP rs727503358, ClinGen allele CA177554.

ClinVar aggregate classification (germline): Likely benign. Review status: criteria provided, multiple submitters, no conflicts (2 of 4 stars). 2 submissions from 2 submitters: Likely benign (2). Last evaluated 2024-03-17.

Submissions (2):

Labcorp Genetics (formerly Invitae), Labcorp
Classification: Likely benign. Last evaluated: 2024-03-17. Review status: criteria provided, single submitter. Criteria: Invitae Variant Classification Sherloc (09022015). Collection method: clinical testing. Allele origin: germline.

Laboratory for Molecular Medicine, Mass General Brigham Personalized Medicine
Classification: Likely benign. Last evaluated: 2013-08-10. Review status: criteria provided, single submitter. Criteria: LMM Criteria. Collection method: clinical testing. Allele origin: germline. Observed: 1 variant allele.
Comment: 2316-4C>A in Intron 19 of OTOF: This variant is not expected to have clinical si gnificance because it is not located within the invariant -1/2 invariant splice site positions and is not a conserved position within the splice site consensus sequence.